The following is an entry in ClinVar:

ClinVar aggregate classification (germline): Uncertain significance (1 of 4 stars; one submission).

Allele frequency attached by ClinVar (database versions not stated): gnomAD exomes below 0.00001; TOPMed 0.00001.
gnomAD v4.1: 5 of 1,613,186 alleles (0.00031%); highest among the groups gnomAD compares: Admixed American, 0.0067%; no homozygotes.

Submission:

Labcorp Genetics (formerly Invitae), Labcorp
Classification: Uncertain significance. Last evaluated: 2025-01-12. Review status: criteria provided, single submitter. Criteria: Invitae Variant Classification Sherloc (09022015). Collection method: clinical testing. Allele origin: germline.
Comment: This sequence change replaces histidine, which is basic and polar, with arginine, which is basic and polar, at codon 759 of the TNNI3K protein (p.His759Arg). This variant is not present in population databases (gnomAD no frequency). This variant has not been reported in the literature in individuals affected with TNNI3K-related conditions. ClinVar contains an entry for this variant (Variation ID: 2417989). An algorithm developed to predict the effect of missense changes on protein structure and function (PolyPhen-2) suggests that this variant is likely to be tolerated. In summary, the available evidence is currently insufficient to determine the role of this variant in disease. Therefore, it has been classified as a Variant of Uncertain Significance.

NM_015978.3(TNNI3K):c.2276A>G (p.His759Arg)

Genes: FPGT-TNNI3K (FPGT-TNNI3K readthrough; plus strand), LRRC53 (leucine rich repeat containing 53; minus strand), TNNI3K (TNNI3 interacting kinase; plus strand). Cytogenetic location: 1p31.1.
Variant type: single nucleotide variant.
Coding change: c.2276A>G on transcript NM_015978.3 (MANE Select); coding-DNA position 2276, A replaced by G.
Protein change: p.His759Arg; replaces histidine 759 with arginine.
Molecular consequence: missense variant. On other transcripts: intron variant (2).
Genome position (GRCh38, 1-based): chr1:74,492,191, A>G. VCF-style: chr1-74492191-A-G. GRCh37 (hg19) VCF-style: chr1-74957875-A-G.
Other names: c.2579A>G, p.His860Arg (NM_001112808.3); c.-8-11223T>C (NM_001364666.2); c.-26-8816T>C (NM_001382280.1); short protein forms H759R, H860R.
Identifiers: ClinVar variation 2417989 (VCV002417989.6), dbSNP rs1669114228, ClinGen allele CA340799407.
Genomic context (GRCh38, chr1:74,492,191, plus strand): 5'-CTCTCTCACCTTCTTCTTCTTCTGATTGCCTGGTGAACCGGGGAGGACCTGGCCGGAGTC[A>G]TGTGGCAGCATTAAGAAGTCGTTTCGAATTGGAATATGCTCTAAATGCAAGGTCCTATGC-3'
Protein context (NP_057062.1, residues 749-769): LVNRGGPGRS[His759Arg]VAALRSRFEL